The following is an entry in ClinVar:

ClinVar aggregate classification (germline): Uncertain significance. Review status: criteria provided, multiple submitters, no conflicts (2 of 4 stars). 3 submissions from 3 submitters: Uncertain significance (3). Last evaluated 2025-05-23.

Conditions:
Baller-Gerold syndrome (BGS). Also called: CRANIOSYNOSTOSIS WITH RADIAL DEFECTS. Identifiers: Orphanet 1225, MedGen C0265308, MONDO:0009039, OMIM 218600.
Inborn genetic diseases. Identifiers: MedGen C0950123, MeSH D030342.

Allele frequency attached by ClinVar (database versions not stated): gnomAD exomes below 0.00001.
gnomAD v4.1: 1 of 1,612,358 alleles (0.000062%); highest among the groups gnomAD compares: Non-Finnish European, 0.000085%; no homozygotes.

Submissions (3):

Ambry Genetics
Classification: Uncertain significance for Inborn genetic diseases. Last evaluated: 2025-05-23. Review status: criteria provided, single submitter. Criteria: Ambry Variant Classification Scheme 2023. Collection method: clinical testing. Allele origin: germline.
Comment: The p.M557T variant (also known as c.1670T>C), located in coding exon 10 of the RECQL4 gene, results from a T to C substitution at nucleotide position 1670. The methionine at codon 557 is replaced by threonine, an amino acid with similar properties. This amino acid position is conserved. In addition, the in silico prediction for this alteration is inconclusive. Based on the available evidence, the clinical significance of this variant remains unclear.

Labcorp Genetics (formerly Invitae), Labcorp
Classification: Uncertain significance for Baller-Gerold syndrome. Last evaluated: 2022-05-27. Review status: criteria provided, single submitter. Criteria: Invitae Variant Classification Sherloc (09022015). Collection method: clinical testing. Allele origin: germline.
Comment: This sequence change replaces methionine, which is neutral and non-polar, with threonine, which is neutral and polar, at codon 557 of the RECQL4 protein (p.Met557Thr). This variant is present in population databases (no rsID available, gnomAD 0.0009%). This variant has not been reported in the literature in individuals affected with RECQL4-related conditions. ClinVar contains an entry for this variant (Variation ID: 1319130). Experimental studies and prediction algorithms are not available or were not evaluated, and the functional significance of this variant is currently unknown. In summary, the available evidence is currently insufficient to determine the role of this variant in disease. Therefore, it has been classified as a Variant of Uncertain Significance.

Institute for Clinical Genetics, University Hospital TU Dresden, University Hospital TU Dresden
Classification: Uncertain significance. Last evaluated: 2021-11-03. Review status: criteria provided, single submitter. Criteria: ACMG Guidelines, 2015. Collection method: clinical testing. Allele origin: germline.

NM_004260.4(RECQL4):c.1670T>C (p.Met557Thr)

Gene: RECQL4 (RecQ like helicase 4; minus strand). Cytogenetic location: 8q24.3.
Variant type: single nucleotide variant.
Coding change: c.1670T>C on transcript NM_004260.4 (MANE Select); coding-DNA position 1670, T replaced by C.
Protein change: p.Met557Thr; replaces methionine 557 with threonine.
Molecular consequence: missense variant.
Genome position (GRCh38, 1-based): chr8:144,514,476, A>G on the plus strand (T>C on the coding strand, the complement: RECQL4 is on the minus strand). VCF-style: chr8-144514476-A-G. GRCh37 (hg19) VCF-style: chr8-145739860-A-G.
Other names: short protein forms M557T.
Identifiers: ClinVar variation 1319130 (VCV001319130.8), dbSNP rs1432340675, ClinGen allele CA372681693.
Genomic context (GRCh38, chr8:144,514,476, plus strand): 5'-CACCCCTAGGCCCATGAGGCCCCCACCTTCTGCAGGACAGATTCCCGTTGCTTCCTGGTC[A>G]TGCCCGAGTGTATGCAGGCCGCCTTGAGACACGGTGGCAGGCCAGACACCTGCAAATGCA-3'
Protein context (NP_004251.4, residues 547-567): CLKAACIHSG[Met557Thr]TRKQRESVLQ